The following is an entry in ClinVar:

ClinVar aggregate classification (germline): Likely benign. Review status: reviewed by expert panel (3 of 4 stars). 7 submissions from 6 submitters: Likely benign (1). 6 of the submissions do not count toward it. Last evaluated 2017-04-18.

Conditions:
Cardiovascular phenotype. Identifiers: MedGen CN230736.
SOS1-related disorder. Also called: SOS1-related condition.
RASopathy. Also called: rasopathies; Noonan spectrum disorder. Identifiers: Orphanet 536391, MedGen C5555857, MONDO:0021060.
Fibromatosis, gingival, 1 (GINGF1). Identifiers: Orphanet 2024, MedGen C4551558, MONDO:0007609, OMIM 135300.
Noonan syndrome 4 (NS4). Also called: NOONAN SYNDROME WITH PIGMENTED VILLONODULAR SYNOVITIS; SOS1-Related Noonan Syndrome. Identifiers: Orphanet 648, MedGen C1853120, MONDO:0012547, OMIM 610733.

Allele frequency attached by ClinVar (database versions not stated): gnomAD exomes 0.00001 and 0.00004; ExAC 0.00005; gnomAD 0.00011; TOPMed 0.00011; ESP Exome Variant Server 0.00023.
gnomAD v4.1: 36 of 1,613,646 alleles (0.0022%); highest among the groups gnomAD compares: African/African-American, 0.037%; no homozygotes.

Submissions (7):

ClinGen RASopathy Variant Curation Expert Panel
Classification: Likely benign for Noonan syndrome and Noonan-related syndrome. Last evaluated: 2017-04-18. Review status: reviewed by expert panel. Criteria: ClinGen RASopathy ACMG Specifications v1. Collection method: curation. Allele origin: germline. Inheritance: Autosomal dominant inheritance.
Comment: The filtering allele frequency of the c.1647A>G (p.Thr549=) variant in the SOS1 gene is 0.0251% (6/10398) of African chromosomes by the Exome Aggregation Consortium, which is a high enough frequency to be classified as likely benign based on thresholds defined by the ClinGen RASopathy Expert Panel (BS1; PMID:29493581)

PreventionGenetics, part of Exact Sciences
Classification: Likely benign for SOS1-related condition. Last evaluated: 2026-02-20. Review status: criteria provided, single submitter. Criteria: ACMG Guidelines, 2015. Collection method: clinical testing. Allele origin: germline. Not counted in ClinVar's aggregate classification.
Comment: This variant is classified as likely benign based on ACMG/AMP sequence variant interpretation guidelines (Richards et al. 2015 PMID: 25741868, with internal and published modifications).

Labcorp Genetics (formerly Invitae), Labcorp
Classification: Likely benign for RASopathy. Last evaluated: 2026-01-29. Review status: criteria provided, single submitter. Criteria: Invitae Variant Classification Sherloc (09022015). Collection method: clinical testing. Allele origin: germline. Not counted in ClinVar's aggregate classification.

Ambry Genetics
Classification: Likely benign for Cardiovascular phenotype. Last evaluated: 2021-07-07. Review status: criteria provided, single submitter. Criteria: Ambry Variant Classification Scheme 2023. Collection method: clinical testing. Allele origin: germline. Not counted in ClinVar's aggregate classification.

Illumina Laboratory Services, Illumina
Classification: Likely benign for Noonan syndrome 4. Last evaluated: 2017-04-28. Review status: criteria provided, single submitter. Criteria: ICSL Variant Classification Criteria 13 December 2019. Collection method: clinical testing. Allele origin: germline. Not counted in ClinVar's aggregate classification.
Comment: This variant was observed as part of a predisposition screen in an ostensibly healthy population. A literature search was performed for the gene, cDNA change, and amino acid change (where applicable). No publications were found based on this search. Allele frequency data from public databases allowed determination this variant is unlikely to cause disease. Therefore, this variant is classified as likely benign.

Illumina Laboratory Services, Illumina
Classification: Benign for Fibromatosis, gingival, 1. Last evaluated: 2017-04-28. Review status: criteria provided, single submitter. Criteria: ICSL Variant Classification Criteria 13 December 2019. Collection method: clinical testing. Allele origin: germline. Not counted in ClinVar's aggregate classification.
Comment: This variant was observed as part of a predisposition screen in an ostensibly healthy population. A literature search was performed for the gene, cDNA change, and amino acid change (where applicable). No publications were found based on this search. Allele frequency data from public databases was too high to be consistent with this variant causing disease. Therefore, this variant is classified as benign.

GeneDx
Classification: Benign. Last evaluated: 2014-03-19. Review status: criteria provided, single submitter. Criteria: GeneDx Variant Classification (06012015). Collection method: clinical testing. Allele origin: germline. Affected: yes. Not counted in ClinVar's aggregate classification.
Comment: This variant is considered likely benign or benign based on one or more of the following criteria: it is a conservative change, it occurs at a poorly conserved position in the protein, it is predicted to be benign by multiple in silico algorithms, and/or has population frequency not consistent with disease.

NM_005633.4(SOS1):c.1647A>G (p.Thr549=)

Gene: SOS1 (SOS Ras/Rac guanine nucleotide exchange factor 1; minus strand). Cytogenetic location: 2p22.1.
Variant type: single nucleotide variant.
Coding change: c.1647A>G on transcript NM_005633.4 (MANE Select); coding-DNA position 1647, A replaced by G.
Protein change: p.Thr549=; no amino-acid change (threonine 549 retained).
Molecular consequence: synonymous variant.
Genome position (GRCh38, 1-based): chr2:39,022,781, T>C on the plus strand (A>G on the coding strand, the complement: SOS1 is on the minus strand). VCF-style: chr2-39022781-T-C. GRCh37 (hg19) VCF-style: chr2-39249922-T-C.
Other names: p.T549T:ACA>ACG; NM_005633.3(SOS1):c.1647A>G; c.1626A>G, p.Thr542= (NM_001382394.1); c.1647A>G, p.Thr549= (NM_001382395.1).
Identifiers: ClinVar variation 139236 (VCV000139236.17), dbSNP rs139683425, ClinGen allele CA293658.